The following is an entry in ClinVar:

NM_000085.5(CLCNKB):c.1922T>C (p.Leu641Pro)

Genes: CLCNKB (chloride voltage-gated channel Kb; plus strand), LOC106501713 (CLCNKB recombination region; plus strand). Cytogenetic location: 1p36.13.
Variant type: single nucleotide variant.
Coding change: c.1922T>C on transcript NM_000085.5 (MANE Select); coding-DNA position 1922, T replaced by C.
Protein change: p.Leu641Pro; replaces leucine 641 with proline.
Molecular consequence: missense variant.
Genome position (GRCh38, 1-based): chr1:16,055,751, T>C. VCF-style: chr1-16055751-T-C. GRCh37 (hg19) VCF-style: chr1-16382246-T-C.
Other names: c.1412T>C, p.Leu471Pro (NM_001165945.2); short protein forms L471P, L641P.
Identifiers: ClinVar variation 3775639 (VCV003775639.1).
Genomic context (GRCh38, chr1:16,055,751, plus strand): 5'-TCTTGGCTGCAGGCTGCCCCACAGAACCAGTGACCCTGAAGCTGTCCCCAGAGACTTCCC[T>C]GCATGAGGTAACGGGGAGAACTGGGGAGTGTGACACATGAGGCCTCTGGGTGGGGGAAGA-3'
Protein context (NP_000076.2, residues 631-651): VTLKLSPETS[Leu641Pro]HEAHNLFELL

ClinVar aggregate classification (germline): Uncertain significance (1 of 4 stars; one submission).

Conditions:
Bartter disease type 3. Also called: Bartter syndrome type 3. Identifiers: Orphanet 112, Orphanet 93605, MedGen C1846343, MONDO:0011822, OMIM 607364.

Submission:

3billion
Classification: Uncertain significance for Bartter disease type 3. Last evaluated: 2023-11-10. Review status: criteria provided, single submitter. Criteria: ACMG Guidelines, 2015. Collection method: clinical testing. Allele origin: germline. Affected: yes.
Comment: The variant is not observed in the gnomAD v2.1.1 dataset. Predicted Consequence/Location: Missense variant In silico tool predictions suggest damaging effect of the variant on gene or gene product [REVEL: 0.93 (>=0.6, sensitivity 0.68 and specificity 0.92)]. Therefore, this variant is classified as VUS according to the recommendation of ACMG/AMP guideline.